The following is an entry in ClinVar:

NM_021620.4(PRDM13):c.1418C>T (p.Ser473Leu)

Gene: PRDM13 (PR/SET domain 13; plus strand). Cytogenetic location: 6q16.2.
Variant type: single nucleotide variant.
Coding change: c.1418C>T on transcript NM_021620.4 (MANE Select); coding-DNA position 1418, C replaced by T.
Protein change: p.Ser473Leu; replaces serine 473 with leucine.
Molecular consequence: missense variant.
Genome position (GRCh38, 1-based): chr6:99,614,053, C>T. VCF-style: chr6-99614053-C-T. GRCh37 (hg19) VCF-style: chr6-100061929-C-T.
Other names: short protein forms S473L.
Identifiers: ClinVar variation 3617313 (VCV003617313.2).

ClinVar aggregate classification (germline): Uncertain significance (1 of 4 stars; one submission).

gnomAD v4.1: 4 of 1,606,602 alleles (0.00025%); highest among the groups gnomAD compares: Non-Finnish European, 0.00034%; no homozygotes.

Submission:

Labcorp Genetics (formerly Invitae), Labcorp
Classification: Uncertain significance. Last evaluated: 2024-04-25. Review status: criteria provided, single submitter. Criteria: Invitae Variant Classification Sherloc (09022015). Collection method: clinical testing. Allele origin: germline.
Comment: This sequence change replaces serine, which is neutral and polar, with leucine, which is neutral and non-polar, at codon 473 of the PRDM13 protein (p.Ser473Leu). This variant is not present in population databases (gnomAD no frequency). This variant has not been reported in the literature in individuals affected with PRDM13-related conditions. An algorithm developed to predict the effect of missense changes on protein structure and function (PolyPhen-2) suggests that this variant is likely to be tolerated. In summary, the available evidence is currently insufficient to determine the role of this variant in disease. Therefore, it has been classified as a Variant of Uncertain Significance.